The following is an entry in ClinVar:

NM_001830.4(CLCN4):c.545G>A (p.Gly182Asp)

Gene: CLCN4 (chloride voltage-gated channel 4; plus strand). Cytogenetic location: Xp22.2.
Variant type: single nucleotide variant.
Coding change: c.545G>A on transcript NM_001830.4 (MANE Select); coding-DNA position 545, G replaced by A.
Protein change: p.Gly182Asp; replaces glycine 182 with aspartic acid.
Molecular consequence: missense variant.
Genome position (GRCh38, 1-based): chrX:10,198,051, G>A. VCF-style: chrX-10198051-G-A. GRCh37 (hg19) VCF-style: chrX-10166091-G-A.
Other names: c.263G>A, p.Gly88Asp (NM_001256944.2); short protein forms G182D, G88D.
Identifiers: ClinVar variation 3493320 (VCV003493320.2).

ClinVar aggregate classification (germline): Uncertain significance (1 of 4 stars; one submission).

Conditions:
Inborn genetic diseases. Identifiers: MedGen C0950123, MeSH D030342.

Submission:

Ambry Genetics
Classification: Uncertain significance for Inborn genetic diseases. Last evaluated: 2025-02-14. Review status: criteria provided, single submitter. Criteria: Ambry Variant Classification Scheme 2023. Collection method: clinical testing. Allele origin: germline.
Comment: The c.545G>A (p.G182D) alteration is located in exon 6 (coding exon 4) of the CLCN4 gene. This alteration results from a G to A substitution at nucleotide position 545, causing the glycine (G) at amino acid position 182 to be replaced by an aspartic acid (D). This variant was not reported in population-based cohorts in the Genome Aggregation Database (gnomAD). Another variant at the same codon, c.544G>A (p.G182S), has been identified in an individual with features characteristic of Raynaud-Claes syndrome (Elliott, 2022). This amino acid position is highly conserved in available vertebrate species. This missense alteration is located in a region that has a low rate of benign missense variation (Lek, 2016; Firth, 2009). This alteration is predicted to be deleterious by in silico analysis. Based on insufficient or conflicting evidence, the clinical significance of this alteration remains unclear.

Literature cited by the submitters: PubMed 35599849.